The following is an entry in ClinVar:

NM_177438.3(DICER1):c.344C>T (p.Thr115Ile)

Gene: DICER1 (dicer 1, ribonuclease III; minus strand). Cytogenetic location: 14q32.13.
Variant type: single nucleotide variant.
Coding change: c.344C>T on transcript NM_177438.3 (MANE Select); coding-DNA position 344, C replaced by T.
Protein change: p.Thr115Ile; replaces threonine 115 with isoleucine.
Molecular consequence: missense variant. On other transcripts: 5 prime UTR variant (2), non-coding transcript variant (5), intron variant (6).
Genome position (GRCh38, 1-based): chr14:95,131,603, G>A on the plus strand (C>T on the coding strand, the complement: DICER1 is on the minus strand). VCF-style: chr14-95131603-G-A. GRCh37 (hg19) VCF-style: chr14-95597940-G-A.
Other names: c.344C>T, p.Thr115Ile (NM_001395677.1, NM_001395679.1, NM_001395680.1 and 15 more transcripts); c.62C>T, p.Thr21Ile (NM_001395686.1); c.-115C>T (NM_001395691.1); c.-1225C>T (NM_001395697.1); c.33+912C>T (NM_001395690.1, NM_001395687.1, NM_001395689.1 and 3 more transcripts); short protein forms T115I, T21I.
Identifiers: ClinVar variation 1731546 (VCV001731546.3), dbSNP rs1893957607, ClinGen allele CA390889298.

ClinVar aggregate classification (germline): Uncertain significance (1 of 4 stars; one submission).

Conditions:
Hereditary cancer-predisposing syndrome. Also called: Neoplastic Syndromes, Hereditary; Tumor predisposition; Hereditary Cancer Syndrome; Hereditary neoplastic syndrome. Identifiers: Orphanet 140162, MedGen C0027672, MeSH D009386, MONDO:0015356.

Allele frequency attached by ClinVar (database versions not stated): TOPMed below 0.00001.

Submission:

Ambry Genetics
Classification: Uncertain significance for Hereditary cancer-predisposing syndrome. Last evaluated: 2024-05-02. Review status: criteria provided, single submitter. Criteria: Ambry Variant Classification Scheme 2023. Collection method: clinical testing. Allele origin: germline.
Comment: The p.T115I variant (also known as c.344C>T), located in coding exon 3 of the DICER1 gene, results from a C to T substitution at nucleotide position 344. The threonine at codon 115 is replaced by isoleucine, an amino acid with similar properties. This amino acid position is highly conserved in available vertebrate species. In addition, this alteration is predicted to be tolerated by in silico analysis. Based on the available evidence, the clinical significance of this variant remains unclear.